The following is an entry in ClinVar:

NM_001164277.2(SLC37A4):c.13G>A (p.Gly5Ser)

Gene: SLC37A4 (solute carrier family 37 member 4; minus strand). Cytogenetic location: 11q23.3.
Variant type: single nucleotide variant.
Coding change: c.13G>A on transcript NM_001164277.2 (MANE Select); coding-DNA position 13, G replaced by A.
Protein change: p.Gly5Ser; replaces glycine 5 with serine.
Molecular consequence: missense variant. On other transcripts: intron variant (1).
Genome position (GRCh38, 1-based): chr11:119,029,357, C>T on the plus strand (G>A on the coding strand, the complement: SLC37A4 is on the minus strand). VCF-style: chr11-119029357-C-T. GRCh37 (hg19) VCF-style: chr11-118900067-C-T.
Other names: c.13G>A, p.Gly5Ser (NM_001164278.2, NM_001164280.2, NM_001467.6); c.-172+35G>A (NM_001164279.2); short protein forms G5S.
Identifiers: ClinVar variation 970489 (VCV000970489.9), dbSNP rs571267951, ClinGen allele CA6311935.

ClinVar aggregate classification (germline): Uncertain significance. Review status: criteria provided, multiple submitters, no conflicts (2 of 4 stars). 4 submissions from 4 submitters: Uncertain significance (3). 1 of the submissions does not count toward it. Last evaluated 2024-06-03.

Conditions:
Inborn genetic diseases. Identifiers: MedGen C0950123, MeSH D030342.
Glucose-6-phosphate transport defect (GSD1B). Also called: Glycogen Storage Disease Type Ib; GSD Ib. Identifiers: Orphanet 364, Orphanet 79259, MedGen C0268146, MONDO:0009288, OMIM 232220.
Phosphate transport defect (GSD1C). Also called: GSD Ic; GLYCOGEN STORAGE DISEASE Ic. Identifiers: Orphanet 364, Orphanet 79259, MedGen C0342749, OMIM 232240.
Congenital disorder of glycosylation, type IIw. Identifiers: MedGen C5561986, MONDO:0030437, OMIM 619525.

Allele frequency attached by ClinVar (database versions not stated): ExAC 0.00005; TOPMed 0.00006; 1000 Genomes Project 30x 0.00016; 1000 Genomes Project 0.00020.

Submissions (4):

Labcorp Genetics (formerly Invitae), Labcorp
Classification: Uncertain significance for Glucose-6-phosphate transport defect. Last evaluated: 2024-06-03. Review status: criteria provided, single submitter. Criteria: Invitae Variant Classification Sherloc (09022015). Collection method: clinical testing. Allele origin: germline.
Comment: This sequence change replaces glycine, which is neutral and non-polar, with serine, which is neutral and polar, at codon 5 of the SLC37A4 protein (p.Gly5Ser). This variant is present in population databases (rs571267951, gnomAD 0.1%). This variant has not been reported in the literature in individuals affected with SLC37A4-related conditions. ClinVar contains an entry for this variant (Variation ID: 970489). Advanced modeling of protein sequence and biophysical properties (such as structural, functional, and spatial information, amino acid conservation, physicochemical variation, residue mobility, and thermodynamic stability) performed at Invitae indicates that this missense variant is not expected to disrupt SLC37A4 protein function with a negative predictive value of 80%. In summary, the available evidence is currently insufficient to determine the role of this variant in disease. Therefore, it has been classified as a Variant of Uncertain Significance.

Ambry Genetics
Classification: Uncertain significance for Inborn genetic diseases. Last evaluated: 2023-05-17. Review status: criteria provided, single submitter. Criteria: Ambry Variant Classification Scheme 2023. Collection method: clinical testing. Allele origin: germline.

Fulgent Genetics
Classification: Uncertain significance for Glucose-6-phosphate transport defect; Phosphate transport defect; Congenital disorder of glycosylation, type IIw. Last evaluated: 2021-10-01. Review status: criteria provided, single submitter. Criteria: ACMG Guidelines, 2015. Collection method: clinical testing. Allele origin: unknown.

Natera, Inc.
Classification: Uncertain significance for Glycogen storage disease type Ib. Last evaluated: 2020-03-17. Review status: no assertion criteria provided. Collection method: clinical testing. Allele origin: germline. Not counted in ClinVar's aggregate classification.